The following is an entry in ClinVar:

ClinVar aggregate classification (germline): Benign. Review status: criteria provided, multiple submitters, no conflicts (2 of 4 stars). 2 submissions from 2 submitters: Benign (2). Last evaluated 2018-01-13.

Conditions:
Autosomal recessive omodysplasia (OMOD1). Also called: MICROMELIC DYSPLASIA, CONGENITAL, WITH DISLOCATION OF RADIUS. Identifiers: Orphanet 2733, Orphanet 93329, MedGen C1850318, MONDO:0009779, OMIM 258315.

Allele frequency attached by ClinVar (database versions not stated): 1000 Genomes Project 30x 0.18410; 1000 Genomes Project 0.18910; TOPMed 0.19860.

Submissions (2):

Illumina Laboratory Services, Illumina
Classification: Benign for Autosomal recessive omodysplasia. Last evaluated: 2018-01-13. Review status: criteria provided, single submitter. Criteria: ICSL Variant Classification Criteria 13 December 2019. Collection method: clinical testing. Allele origin: germline.
Comment: This variant was observed in the ICSL laboratory as part of a predisposition screen in an ostensibly healthy population. It had not been previously curated by ICSL or reported in the Human Gene Mutation Database (HGMD: prior to June 1st, 2018), and was therefore a candidate for classification through an automated scoring system. Utilizing variant allele frequency, disease prevalence and penetrance estimates, and inheritance mode, an automated score was calculated to assess if this variant is too frequent to cause the disease. Based on the score and internal cut-off values, a variant classified as benign is not then subjected to further curation. The score for this variant resulted in a classification of benign for this disease.

Breakthrough Genomics
Classification: Benign. Review status: criteria provided, single submitter. Criteria: ACMG Guidelines, 2015. Collection method: not provided. Allele origin: germline. Inheritance: Autosomal recessive inheritance. Affected: yes.

NM_005708.5(GPC6):c.*1297C>T

Gene: GPC6 (glypican 6; plus strand). Cytogenetic location: 13q32.1.
Variant type: single nucleotide variant.
Coding change: c.*1297C>T on transcript NM_005708.5 (MANE Select); 1297 bases downstream of the stop codon, C replaced by T.
Molecular consequence: 3 prime UTR variant.
Genome position (GRCh38, 1-based): chr13:94,404,514, C>T. VCF-style: chr13-94404514-C-T. GRCh37 (hg19) VCF-style: chr13-95056768-C-T.
Identifiers: ClinVar variation 312577 (VCV000312577.6), dbSNP rs1951797, ClinGen allele CA10643776.